The following is an entry in ClinVar:

ClinVar aggregate classification (germline): Uncertain significance (1 of 4 stars; one submission).

Allele frequency attached by ClinVar (database versions not stated): gnomAD 0.00001; TOPMed 0.00002.
gnomAD v4.1: 17 of 1,613,886 alleles (0.0011%); highest among the groups gnomAD compares: Non-Finnish European, 0.0014%; no homozygotes.

Submission:

Labcorp Genetics (formerly Invitae), Labcorp
Classification: Uncertain significance. Last evaluated: 2022-02-22. Review status: criteria provided, single submitter. Criteria: Invitae Variant Classification Sherloc (09022015). Collection method: clinical testing. Allele origin: germline.
Comment: This sequence change replaces serine, which is neutral and polar, with arginine, which is basic and polar, at codon 458 of the SLC46A1 protein (p.Ser458Arg). This variant is not present in population databases (gnomAD no frequency). This variant has not been reported in the literature in individuals affected with SLC46A1-related conditions. Experimental studies and prediction algorithms are not available or were not evaluated, and the functional significance of this variant is currently unknown. In summary, the available evidence is currently insufficient to determine the role of this variant in disease. Therefore, it has been classified as a Variant of Uncertain Significance.

NM_080669.6(SLC46A1):c.1374C>A (p.Ser458Arg)

Genes: SARM1 (sterile alpha and TIR motif containing 1; plus strand), SLC46A1 (solute carrier family 46 member 1; minus strand). Cytogenetic location: 17q11.2.
Variant type: single nucleotide variant.
Coding change: c.1374C>A on transcript NM_080669.6 (MANE Select); coding-DNA position 1374, C replaced by A.
Protein change: p.Ser458Arg; replaces serine 458 with arginine.
Molecular consequence: missense variant. On other transcripts: 3 prime UTR variant (1).
Genome position (GRCh38, 1-based): chr17:28,399,662, G>T on the plus strand (C>A on the coding strand, the complement: SLC46A1 is on the minus strand). VCF-style: chr17-28399662-G-T. GRCh37 (hg19) VCF-style: chr17-26726678-G-T.
Other names: c.1290C>A, p.Ser430Arg (NM_001242366.3); c.*3376G>T (NM_015077.4); short protein forms S458R, S430R.
Identifiers: ClinVar variation 1937795 (VCV001937795.2), dbSNP rs1042990430, ClinGen allele CA289112369.